The following is an entry in ClinVar:

ClinVar aggregate classification (germline): Uncertain significance (1 of 4 stars; one submission).

Submission:

GeneDx
Classification: Uncertain significance. Last evaluated: 2024-12-23. Review status: criteria provided, single submitter. Criteria: GeneDx Variant Classification Process June 2021. Collection method: clinical testing. Allele origin: germline. Affected: yes.
Comment: Not observed at significant frequency in large population cohorts (gnomAD); In-frame duplication of 2 amino acid(s) in a non-repeat region; Has not been previously published as pathogenic or benign to our knowledge

NM_015557.3(CHD5):c.636_641dup (p.Ala214_Ala215insValAla)

Gene: CHD5 (chromodomain helicase DNA binding protein 5; minus strand). Cytogenetic location: 1p36.31.
Variant type: Duplication.
Coding change: c.636_641dup on transcript NM_015557.3 (MANE Select); coding-DNA positions 636 to 641, 6 bases duplicated (GGTGGC; older notation c.636_641dupGGTGGC).
Protein change: p.Ala214_Ala215insValAla.
Genome position (GRCh38, 1-based): chr1:6,154,764-6,154,769, GCCACC duplicated on the plus strand (GGTGGC on the coding strand, the reverse complement: CHD5 is on the minus strand); duplicating any 6 consecutive bases within chr1:6,154,764-6,154,772 gives the same sequence; the c. name uses the placement nearest the transcript's 3' end. VCF-style (leftmost placement, unchanged base first): chr1-6154763-A-AGCCACC. GRCh37 (hg19) VCF-style: chr1-6214823-A-AGCCACC.
Identifiers: ClinVar variation 3906393 (VCV003906393.1).